The following is an entry in ClinVar:

NM_005797.4(MPZL2):c.242_243dup (p.Asp82Ter)

Gene: MPZL2 (myelin protein zero like 2; minus strand). Cytogenetic location: 11q23.3.
Variant type: Duplication.
Coding change: c.242_243dup on transcript NM_005797.4 (MANE Select); coding-DNA positions 242 to 243, 2 bases duplicated (TA; older notation c.242_243dupTA).
Protein change: p.Asp82Ter; replaces aspartic acid 82 with a stop codon.
Molecular consequence: nonsense.
Genome position (GRCh38, 1-based): chr11:118,262,631-118,262,632, TA duplicated on the plus strand (TA on the coding strand, the reverse complement: MPZL2 is on the minus strand); duplicating any 2 consecutive bases within chr11:118,262,631-118,262,633 gives the same sequence; the c. name uses the placement nearest the transcript's 3' end. VCF-style (leftmost placement, unchanged base first): chr11-118262630-C-CTA. GRCh37 (hg19) VCF-style: chr11-118133345-C-CTA.
Other names: c.242_243dup, p.Asp82Ter (NM_144765.3); short protein forms D82*.
Identifiers: ClinVar variation 5007785 (VCV005007785.2).

ClinVar aggregate classification (germline): Likely pathogenic (1 of 4 stars; one submission).

Conditions:
Hearing loss, autosomal recessive 111. Also called: DEAFNESS, AUTOSOMAL RECESSIVE 111. Identifiers: MedGen C4748374, MONDO:0029142, OMIM 618145.

Submission:

Juno Genomics, Hangzhou Juno Genomics, Inc
Classification: Likely pathogenic for Hearing loss, autosomal recessive 111. Review status: criteria provided, single submitter. Criteria: ACMG Guidelines, 2015. Collection method: clinical testing. Allele origin: germline.
Comment: Null variant in a gene where loss of function (LOF) is a known mechanism of disease.;Absent from controls (or at extremely low frequency if recessive) in Genome Aggregation Database.